The following is an entry in ClinVar:

ClinVar aggregate classification (germline): Conflicting classifications of pathogenicity. Review status: criteria provided, conflicting classifications (1 of 4 stars). 5 submissions from 4 submitters: Uncertain significance (2); Likely benign (3). Last evaluated 2025-12-03.

Conditions:
Leigh syndrome (NULS). Also called: Leigh's syndrome; Leigh Syndrome (mtDNA deletion); Leigh Disease; Leigh's necrotizing encephalopathy; Leigh's disease; Subacute necrotizing encephalopathy. Identifiers: Orphanet 506, MedGen C2931891, MONDO:0009723, OMIM 256000.
Mitochondrial complex I deficiency, nuclear type 1. Also called: NADH-COENZYME Q REDUCTASE DEFICIENCY; MITOCHONDRIAL NADH DEHYDROGENASE COMPONENT OF COMPLEX I, DEFICIENCY OF. Identifiers: MedGen C6022305, MONDO:0100224, OMIM 252010.

Allele frequency attached by ClinVar (database versions not stated): gnomAD 0.00004 and 0.00009; TOPMed 0.00006; gnomAD exomes 0.00014 and 0.00016; ExAC 0.00015; 1000 Genomes Project 30x 0.00062; 1000 Genomes Project 0.00080.
gnomAD v4.1: 218 of 1,614,174 alleles (0.014%); highest among the groups gnomAD compares: East Asian, 0.35%; 1 homozygote.

Submissions (5):

Labcorp Genetics (formerly Invitae), Labcorp
Classification: Likely benign. Last evaluated: 2025-12-03. Review status: criteria provided, single submitter. Criteria: Invitae Variant Classification Sherloc (09022015). Collection method: clinical testing. Allele origin: germline.

Mayo Clinic Laboratories, Mayo Clinic
Classification: Likely benign. Last evaluated: 2024-12-04. Review status: criteria provided, single submitter. Criteria: ACMG Guidelines, 2015. Collection method: clinical testing. Allele origin: germline. Observed: 1 variant allele.
Comment: BP4, BP7

Illumina Laboratory Services, Illumina
Classification: Uncertain significance for Mitochondrial complex I deficiency, nuclear type 1. Last evaluated: 2018-01-12. Review status: criteria provided, single submitter. Criteria: ICSL Variant Classification Criteria 13 December 2019. Collection method: clinical testing. Allele origin: germline.

Illumina Laboratory Services, Illumina
Classification: Uncertain significance for Leigh syndrome. Last evaluated: 2018-01-12. Review status: criteria provided, single submitter. Criteria: ICSL Variant Classification Criteria 13 December 2019. Collection method: clinical testing. Allele origin: germline.

GeneDx
Classification: Likely benign. Last evaluated: 2017-04-24. Review status: criteria provided, single submitter. Criteria: GeneDx Variant Classification (06012015). Collection method: clinical testing. Allele origin: germline. Affected: yes.
Comment: This variant is considered likely benign or benign based on one or more of the following criteria: it is a conservative change, it occurs at a poorly conserved position in the protein, it is predicted to be benign by multiple in silico algorithms, and/or has population frequency not consistent with disease.

NM_004544.4(NDUFA10):c.549T>C (p.Cys183=)

Gene: NDUFA10 (NADH:ubiquinone oxidoreductase subunit A10; minus strand). Cytogenetic location: 2q37.3.
Variant type: single nucleotide variant.
Coding change: c.549T>C on transcript NM_004544.4 (MANE Select); coding-DNA position 549, T replaced by C.
Protein change: p.Cys183=; no amino-acid change (cysteine 183 retained).
Molecular consequence: synonymous variant. On other transcripts: non-coding transcript variant (4).
Genome position (GRCh38, 1-based): chr2:240,014,859, A>G on the plus strand (T>C on the coding strand, the complement: NDUFA10 is on the minus strand). VCF-style: chr2-240014859-A-G. GRCh37 (hg19) VCF-style: chr2-240954276-A-G.
Other names: p.Cys183=; c.549T>C, p.Cys183= (NM_001322019.2, NM_001322020.2).
Identifiers: ClinVar variation 335202 (VCV000335202.10), dbSNP rs149783296, ClinGen allele CA2200958.
Genomic context (GRCh38, chr2:240,014,859, plus strand): 5'-CAGGTGGGGGGGCAGGTAATCGCAGATGGTGACGCTCTTCACCTCGTTGTAGTGGTCCAC[A>G]CCTGGCACATAGGAGAAAGGGGCGCTGTCACCTACCAGTCCCCACACGGGTTTCCAAAAC-3'
Protein context (NP_004535.1, residues 173-193): MYNQGFIRKQ[Cys183=]VDHYNEVKSV